The following is an entry in ClinVar:

ClinVar aggregate classification (germline): Uncertain significance (1 of 4 stars; one submission).

Conditions:
Rhabdoid tumor predisposition syndrome 2 (RTPS2). Identifiers: Orphanet 231108, Orphanet 69077, MedGen C2750074, MONDO:0013224, OMIM 613325.

Submission:

Labcorp Genetics (formerly Invitae), Labcorp
Classification: Uncertain significance for Rhabdoid tumor predisposition syndrome 2. Last evaluated: 2017-03-26. Review status: criteria provided, single submitter. Criteria: Invitae Variant Classification Sherloc (09022015). Collection method: clinical testing. Allele origin: germline.
Comment: Algorithms developed to predict the effect of missense changes on protein structure and function do not agree on the potential impact of this missense change (SIFT: "Deleterious"; PolyPhen-2: "Benign"; Align-GVGD: "Class C65"). In summary, this variant is a novel missense change with uncertain impact on protein function. It has been classified as a Variant of Uncertain Significance. This variant is not present in population databases (ExAC no frequency) and has not been reported in the literature in individuals with a SMARCA4-related disease. This sequence change replaces proline with serine at codon 1478 of the SMARCA4 protein (p.Pro1478Ser). The proline residue is highly conserved and there is a moderate physicochemical difference between proline and serine.

NM_003072.5(SMARCA4):c.4336C>T (p.Pro1446Ser)

Gene: SMARCA4 (SWI/SNF related BAF chromatin remodeling complex subunit ATPase 4; plus strand). Cytogenetic location: 19p13.2.
Variant type: single nucleotide variant.
Coding change: c.4336C>T on transcript NM_003072.5 (MANE Select); coding-DNA position 4336, C replaced by T.
Protein change: p.Pro1446Ser; replaces proline 1446 with serine.
Molecular consequence: missense variant. On other transcripts: non-coding transcript variant (1).
Genome position (GRCh38, 1-based): chr19:11,041,472, C>T. VCF-style: chr19-11041472-C-T. GRCh37 (hg19) VCF-style: chr19-11152148-C-T.
Other names: c.4336C>T, p.Pro1446Ser (NM_001128844.3); c.4246C>T, p.Pro1416Ser (NM_001128845.2, NM_001128846.2); c.4237C>T, p.Pro1413Ser (NM_001128847.4, NM_001128848.2, NM_001374457.1); c.4432C>T, p.Pro1478Ser (NM_001128849.3, NM_001387283.1); short protein forms P1478S, P1413S, P1416S, P1446S.
Identifiers: ClinVar variation 470400 (VCV000470400.8), dbSNP rs1555788318, ClinGen allele CA404073899.